The following is an entry in ClinVar:

NM_016360.4(TACO1):c.73A>G (p.Arg25Gly)

Gene: TACO1 (translational activator of cytochrome c oxidase I; plus strand). Cytogenetic location: 17q23.3.
Variant type: single nucleotide variant.
Coding change: c.73A>G on transcript NM_016360.4 (MANE Select); coding-DNA position 73, A replaced by G.
Protein change: p.Arg25Gly; replaces arginine 25 with glycine.
Molecular consequence: missense variant.
Genome position (GRCh38, 1-based): chr17:63,601,156, A>G. VCF-style: chr17-63601156-A-G. GRCh37 (hg19) VCF-style: chr17-61678515-A-G.
Other names: c.73A>G (NM_016360.3); short protein forms R25G.
Identifiers: ClinVar variation 1443668 (VCV001443668.8), dbSNP rs569941836, ClinGen allele CA292903417.

ClinVar aggregate classification (germline): Conflicting classifications of pathogenicity. Review status: criteria provided, conflicting classifications (1 of 4 stars). 3 submissions from 3 submitters: Uncertain significance (2); Likely benign (1). Last evaluated 2024-04-24.

Conditions:
Mitochondrial complex IV deficiency, nuclear type 8. Also called: Mitochondrial complex 4 deficiency, nuclear type 8. Identifiers: MedGen C5436689, MONDO:0033638, OMIM 619052.
Inborn genetic diseases. Identifiers: MedGen C0950123, MeSH D030342.

Allele frequency attached by ClinVar (database versions not stated): TOPMed below 0.00001; gnomAD 0.00002 and 0.00003; gnomAD exomes 0.00004; 1000 Genomes Project 0.00020; 1000 Genomes Project 30x 0.00047.
gnomAD v4.1: 13 of 1,544,794 alleles (0.00084%); highest among the groups gnomAD compares: East Asian, 0.029%; no homozygotes.

Submissions (3):

Ambry Genetics
Classification: Likely benign for Inborn genetic diseases. Last evaluated: 2024-04-24. Review status: criteria provided, single submitter. Criteria: Ambry Variant Classification Scheme 2023. Collection method: clinical testing. Allele origin: germline.

Fulgent Genetics
Classification: Uncertain significance for Mitochondrial complex IV deficiency, nuclear type 8. Last evaluated: 2024-03-31. Review status: criteria provided, single submitter. Criteria: ACMG Guidelines, 2015. Collection method: clinical testing. Allele origin: germline.

Labcorp Genetics (formerly Invitae), Labcorp
Classification: Uncertain significance. Last evaluated: 2022-05-25. Review status: criteria provided, single submitter. Criteria: Invitae Variant Classification Sherloc (09022015). Collection method: clinical testing. Allele origin: germline.
Comment: In summary, the available evidence is currently insufficient to determine the role of this variant in disease. Therefore, it has been classified as a Variant of Uncertain Significance. Algorithms developed to predict the effect of missense changes on protein structure and function output the following: SIFT: "Tolerated"; PolyPhen-2: "Not Available"; Align-GVGD: "Class C0". The glycine amino acid residue is found in multiple mammalian species, which suggests that this missense change does not adversely affect protein function. This variant has not been reported in the literature in individuals affected with TACO1-related conditions. The frequency data for this variant in the population databases is considered unreliable, as metrics indicate poor data quality at this position in the gnomAD database. This sequence change replaces arginine, which is basic and polar, with glycine, which is neutral and non-polar, at codon 25 of the TACO1 protein (p.Arg25Gly).